The following is an entry in ClinVar:

NM_015259.6(ICOSLG):c.427G>A (p.Val143Ile)

Gene: ICOSLG (inducible T cell costimulator ligand; minus strand). Cytogenetic location: 21q22.3.
Variant type: single nucleotide variant.
Coding change: c.427G>A on transcript NM_015259.6 (MANE Select); coding-DNA position 427, G replaced by A.
Protein change: p.Val143Ile; replaces valine 143 with isoleucine.
Molecular consequence: missense variant.
Genome position (GRCh38, 1-based): chr21:44,235,542, C>T on the plus strand (G>A on the coding strand, the complement: ICOSLG is on the minus strand). VCF-style: chr21-44235542-C-T. GRCh37 (hg19) VCF-style: chr21-45655425-C-T.
Other names: c.427G>A (NM_015259.4); c.427G>A, p.Val143Ile (NM_001283050.2, NM_001395918.1); c.76G>A, p.Val26Ile (NM_001283051.2); c.172G>A, p.Val58Ile (NM_001283052.2); c.346G>A, p.Val116Ile (NM_001365759.2); short protein forms V58I, V116I, V26I, V143I.
Identifiers: ClinVar variation 2056362 (VCV002056362.5), dbSNP rs767656796, ClinGen allele CA410615335.
Genomic context (GRCh38, chr21:44,235,542, plus strand): 5'-CGTTTATGGATGTACACGTGAAGGTGAGCTCATCCTGGGAGGGGCTGTGGGGGGCGCTGA[C>T]GACGGGCACGCTGAAGTTTGCTGCAGGGGAGGGAAACAGATTGTGAGAGATGCCAGACCC-3'
Protein context (NP_056074.1, residues 133-153): HVAANFSVPV[Val143Ile]SAPHSPSQDE

ClinVar aggregate classification (germline): Uncertain significance. Review status: criteria provided, multiple submitters, no conflicts (2 of 4 stars). 2 submissions from 2 submitters: Uncertain significance (2). Last evaluated 2025-04-14.

Submissions (2):

Ambry Genetics
Classification: Uncertain significance. Last evaluated: 2025-04-14. Review status: criteria provided, single submitter. Criteria: Ambry Variant Classification Scheme 2023. Collection method: clinical testing. Allele origin: germline.

Labcorp Genetics (formerly Invitae), Labcorp
Classification: Uncertain significance. Last evaluated: 2021-12-24. Review status: criteria provided, single submitter. Criteria: Invitae Variant Classification Sherloc (09022015). Collection method: clinical testing. Allele origin: germline.
Comment: This sequence change replaces valine, which is neutral and non-polar, with isoleucine, which is neutral and non-polar, at codon 143 of the ICOSLG protein (p.Val143Ile). This variant is present in population databases (no rsID available, gnomAD 0.006%). This variant has not been reported in the literature in individuals affected with ICOSLG-related conditions. Algorithms developed to predict the effect of missense changes on protein structure and function output the following: SIFT: "Tolerated"; PolyPhen-2: "Possibly Damaging"; Align-GVGD: "Class C0". The isoleucine amino acid residue is found in multiple mammalian species, which suggests that this missense change does not adversely affect protein function. In summary, the available evidence is currently insufficient to determine the role of this variant in disease. Therefore, it has been classified as a Variant of Uncertain Significance.